The following is an entry in ClinVar:

NM_006379.5(SEMA3C):c.682G>A (p.Val228Ile)

Gene: SEMA3C (semaphorin 3C; minus strand). Cytogenetic location: 7q21.11.
Variant type: single nucleotide variant.
Coding change: c.682G>A on transcript NM_006379.5 (MANE Select); coding-DNA position 682, G replaced by A.
Protein change: p.Val228Ile; replaces valine 228 with isoleucine.
Molecular consequence: missense variant.
Genome position (GRCh38, 1-based): chr7:80,804,225, C>T on the plus strand (G>A on the coding strand, the complement: SEMA3C is on the minus strand). VCF-style: chr7-80804225-C-T. GRCh37 (hg19) VCF-style: chr7-80433541-C-T.
Other names: c.736G>A, p.Val246Ile (NM_001350120.2); c.508G>A, p.Val170Ile (NM_001350121.2); short protein forms V170I, V246I, V228I.
Identifiers: ClinVar variation 5002010 (VCV005002010.1).
Genomic context (GRCh38, chr7:80,804,225, plus strand): 5'-GTTTTTCTTTGAAGAAGAAGTACACCTTAGCATCATTTGGATCAGTACCATCTGGGATGA[C>T]ATGTGCATCTACAAACATAGGTTCTAGAAAAAAAGGTAAAAGACTAGGTATATATTCATT-3'
Protein context (NP_006370.1, residues 218-238): LSEPMFVDAH[Val228Ile]IPDGTDPNDA

ClinVar aggregate classification (germline): Uncertain significance (1 of 4 stars; one submission).

Conditions:
SEMA3C-related disorder. Also called: SEMA3C-related condition.

Submission:

PreventionGenetics, part of Exact Sciences
Classification: Uncertain significance for SEMA3C-related condition. Last evaluated: 2025-05-22. Review status: criteria provided, single submitter. Criteria: ACMG Guidelines, 2015. Collection method: clinical testing. Allele origin: germline.
Comment: The SEMA3C c.736G>A variant is predicted to result in the amino acid substitution p.Val246Ile. To our knowledge, this variant has not been reported in the literature or in a large population database (gnomAD), indicating this variant is rare. At this time, the clinical significance of this variant is uncertain due to the absence of conclusive functional and genetic evidence.